The following is an entry in ClinVar:

NM_001127198.5(TMC6):c.1921C>T (p.Arg641Trp)

Gene: TMC6 (transmembrane channel like 6; minus strand). Cytogenetic location: 17q25.3.
Variant type: single nucleotide variant.
Coding change: c.1921C>T on transcript NM_001127198.5 (MANE Select); coding-DNA position 1921, C replaced by T.
Protein change: p.Arg641Trp; replaces arginine 641 with tryptophan.
Molecular consequence: missense variant. On other transcripts: non-coding transcript variant (4).
Genome position (GRCh38, 1-based): chr17:78,117,902, G>A on the plus strand (C>T on the coding strand, the complement: TMC6 is on the minus strand). VCF-style: chr17-78117902-G-A. GRCh37 (hg19) VCF-style: chr17-76113983-G-A.
Other names: c.1921C>T, p.Arg641Trp (NM_001321185.1, NM_001374596.1, NM_001375353.1 and 2 more transcripts); c.1741C>T, p.Arg581Trp (NM_001374593.1, NM_001374594.1); short protein forms R641W, R581W.
Identifiers: ClinVar variation 1437426 (VCV001437426.3), dbSNP rs139050383, ClinGen allele CA8795493.

ClinVar aggregate classification (germline): Uncertain significance (1 of 4 stars; one submission).

Conditions:
Epidermodysplasia verruciformis. Identifiers: Orphanet 302, MedGen C0014522, MONDO:0009176.

Allele frequency attached by ClinVar (database versions not stated): gnomAD 0.00002; TOPMed 0.00002; ESP Exome Variant Server 0.00008.
gnomAD v4.1: 23 of 1,604,890 alleles (0.0014%); highest among the groups gnomAD compares: African/African-American, 0.0053%; no homozygotes.

Submission:

Labcorp Genetics (formerly Invitae), Labcorp
Classification: Uncertain significance for Epidermodysplasia verruciformis. Last evaluated: 2022-06-12. Review status: criteria provided, single submitter. Criteria: Invitae Variant Classification Sherloc (09022015). Collection method: clinical testing. Allele origin: germline.
Comment: This sequence change replaces arginine, which is basic and polar, with tryptophan, which is neutral and slightly polar, at codon 641 of the TMC6 protein (p.Arg641Trp). The frequency data for this variant in the population databases is considered unreliable, as metrics indicate poor data quality at this position in the gnomAD database. This variant has not been reported in the literature in individuals affected with TMC6-related conditions. Algorithms developed to predict the effect of missense changes on protein structure and function are either unavailable or do not agree on the potential impact of this missense change (SIFT: "Not Available"; PolyPhen-2: "Probably Damaging"; Align-GVGD: "Not Available"). In summary, the available evidence is currently insufficient to determine the role of this variant in disease. Therefore, it has been classified as a Variant of Uncertain Significance.